The following is an entry in ClinVar:

ClinVar aggregate classification (germline): Uncertain significance (1 of 4 stars; one submission).

Allele frequency attached by ClinVar (database versions not stated): gnomAD 0.00001; gnomAD exomes 0.00001; TOPMed 0.00001; ExAC 0.00002; ESP Exome Variant Server 0.00015.
gnomAD v4.1: 21 of 1,613,970 alleles (0.0013%); highest among the groups gnomAD compares: Non-Finnish European, 0.0016%; no homozygotes.

Submission:

Labcorp Genetics (formerly Invitae), Labcorp
Classification: Uncertain significance. Last evaluated: 2024-09-29. Review status: criteria provided, single submitter. Criteria: Invitae Variant Classification Sherloc (09022015). Collection method: clinical testing. Allele origin: germline.
Comment: This sequence change replaces lysine, which is basic and polar, with arginine, which is basic and polar, at codon 609 of the KMT2A protein (p.Lys609Arg). This variant is present in population databases (rs137867090, gnomAD 0.002%). This variant has not been reported in the literature in individuals affected with KMT2A-related conditions. ClinVar contains an entry for this variant (Variation ID: 2149836). Invitae Evidence Modeling of protein sequence and biophysical properties (such as structural, functional, and spatial information, amino acid conservation, physicochemical variation, residue mobility, and thermodynamic stability) indicates that this missense variant is not expected to disrupt KMT2A protein function with a negative predictive value of 95%. In summary, the available evidence is currently insufficient to determine the role of this variant in disease. Therefore, it has been classified as a Variant of Uncertain Significance.

NM_001197104.2(KMT2A):c.1826A>G (p.Lys609Arg)

Gene: KMT2A (lysine methyltransferase 2A; plus strand). Cytogenetic location: 11q23.3.
Variant type: single nucleotide variant.
Coding change: c.1826A>G on transcript NM_001197104.2 (MANE Select); coding-DNA position 1826, A replaced by G.
Protein change: p.Lys609Arg; replaces lysine 609 with arginine.
Molecular consequence: missense variant.
Genome position (GRCh38, 1-based): chr11:118,472,985, A>G. VCF-style: chr11-118472985-A-G. GRCh37 (hg19) VCF-style: chr11-118343700-A-G.
Other names: c.1925A>G, p.Lys642Arg (NM_001412597.1); c.1826A>G, p.Lys609Arg (NM_005933.4); short protein forms K642R, K609R.
Identifiers: ClinVar variation 2149836 (VCV002149836.4), dbSNP rs137867090, ClinGen allele CA6303447.